The following is an entry in ClinVar:

NM_001395002.1(MAP4K4):c.60T>G (p.Asp20Glu)

Gene: MAP4K4 (mitogen-activated protein kinase kinase kinase kinase 4; plus strand). Cytogenetic location: 2q11.2.
Variant type: single nucleotide variant.
Coding change: c.60T>G on transcript NM_001395002.1 (MANE Select); coding-DNA position 60, T replaced by G.
Protein change: p.Asp20Glu; replaces aspartic acid 20 with glutamic acid.
Molecular consequence: missense variant. On other transcripts: non-coding transcript variant (4).
Genome position (GRCh38, 1-based): chr2:101,698,475, T>G. VCF-style: chr2-101698475-T-G. GRCh37 (hg19) VCF-style: chr2-102314937-T-G.
Other names: c.60T>G, p.Asp20Glu (NM_001242559.2, NM_001242560.2, NM_001384476.1 and 28 more transcripts); c.33T>G, p.Asp11Glu (NM_001384549.1, NM_001384550.1, NM_001384551.1 and 16 more transcripts); short protein forms D11E, D20E.
Identifiers: ClinVar variation 3368650 (VCV003368650.1).
Genomic context (GRCh38, chr2:101,698,475, plus strand): 5'-ATTTATTCATTTTTTTGGCTTCTTTTAAATGATAACCCCTCCCCTCCTTCCTCTCCAGGA[T>G]CCTGCTGGGATTTTTGAGCTGGTGGAAGTGGTTGGAAATGGCACCTATGGACAAGTCTAT-3'
Protein context (NP_001381931.1, residues 10-30): LVDIDLSSLR[Asp20Glu]PAGIFELVEV

ClinVar aggregate classification (germline): Uncertain significance (1 of 4 stars; one submission).

Submission:

GeneDx
Classification: Uncertain significance. Last evaluated: 2024-02-05. Review status: criteria provided, single submitter. Criteria: GeneDx Variant Classification Process June 2021. Collection method: clinical testing. Allele origin: germline. Affected: yes.
Comment: Not observed at significant frequency in large population cohorts (gnomAD); In silico analysis supports that this missense variant has a deleterious effect on protein structure/function; Has not been previously published as pathogenic or benign to our knowledge